The following is an entry in ClinVar:

ClinVar aggregate classification (germline): Uncertain significance (0 of 4 stars; one submission).

Conditions:
RAB18-related disorder. Also called: RAB18-related condition.

Submission:

PreventionGenetics, part of Exact Sciences
Classification: Uncertain significance for RAB18-related condition. Last evaluated: 2024-02-15. Review status: no assertion criteria provided. Collection method: clinical testing. Allele origin: germline.
Comment: The RAB18 c.466-2A>G variant is predicted to disrupt the AG splice acceptor site and interfere with normal splicing. To our knowledge, this variant has not been reported in the literature or in a large population database, indicating this variant is rare. To our knowledge, other splice site variants in RAB18 have not been reported in literature. Although we suspect that this variant may be pathogenic, at this time, the clinical significance of this variant is uncertain due to the absence of conclusive functional and genetic evidence.

NM_021252.5(RAB18):c.379-2A>G

Gene: RAB18 (RAB18, member RAS oncogene family; plus strand). Cytogenetic location: 10p12.1.
Variant type: single nucleotide variant.
Coding change: c.379-2A>G on transcript NM_021252.5 (MANE Select); the canonical splice acceptor site of the intron before coding-DNA position 379, A replaced by G.
Molecular consequence: splice acceptor variant. On other transcripts: intron variant (1).
Genome position (GRCh38, 1-based): chr10:27,533,926, A>G. VCF-style: chr10-27533926-A-G. GRCh37 (hg19) VCF-style: chr10-27822855-A-G.
Other names: c.466-2A>G (NM_001256410.2); c.378+73A>G (NM_001256411.2); c.187-2A>G (NM_001256412.2).
Identifiers: ClinVar variation 3030343 (VCV003030343.2), dbSNP rs2491653896, ClinGen allele CA376384520.